The following is an entry in ClinVar:

NM_006206.6(PDGFRA):c.2317A>G (p.Met773Val)

Gene: PDGFRA (platelet derived growth factor receptor alpha; plus strand). Cytogenetic location: 4q12.
Variant type: single nucleotide variant.
Coding change: c.2317A>G on transcript NM_006206.6 (MANE Select); coding-DNA position 2317, A replaced by G.
Protein change: p.Met773Val; replaces methionine 773 with valine.
Molecular consequence: missense variant.
Genome position (GRCh38, 1-based): chr4:54,280,476, A>G. VCF-style: chr4-54280476-A-G. GRCh37 (hg19) VCF-style: chr4-55146643-A-G.
Other names: c.2317A>G (NM_006206.5); c.2317A>G, p.Met773Val (NM_001347827.2, NM_001347829.2); c.2392A>G, p.Met798Val (NM_001347828.2); c.2356A>G, p.Met786Val (NM_001347830.2); short protein forms M773V, M786V, M798V.
Identifiers: ClinVar variation 459050 (VCV000459050.18), dbSNP rs191808397, ClinGen allele CA2922806.

ClinVar aggregate classification (germline): Uncertain significance. Review status: criteria provided, multiple submitters, no conflicts (2 of 4 stars). 4 submissions from 4 submitters: Uncertain significance (4). Last evaluated 2026-10-01.

Conditions:
PDGFRA-related disorder. Also called: PDGFRA-related condition.
Polyps, multiple and recurrent inflammatory fibroid, gastrointestinal. Identifiers: MedGen C5193005, MONDO:0008285, OMIM 175510.
Hereditary cancer-predisposing syndrome. Also called: Hereditary neoplastic syndrome; Tumor predisposition; Neoplastic Syndromes, Hereditary; Hereditary Cancer Syndrome. Identifiers: Orphanet 140162, MedGen C0027672, MeSH D009386, MONDO:0015356.
Gastrointestinal stromal tumor. Also called: Gastrointestinal stromal tumor, somatic; Gastrointestinal stroma tumor. Identifiers: Orphanet 44890, MedGen C0238198, MeSH D046152, MONDO:0011719, OMIM 606764, HP:0100723.

Allele frequency attached by ClinVar (database versions not stated): gnomAD exomes below 0.00001 and 0.00004; ExAC 0.00001; gnomAD 0.00001 and 0.00004; TOPMed 0.00002; 1000 Genomes Project 30x 0.00016; 1000 Genomes Project 0.00020.
gnomAD v4.1: 56 of 1,612,392 alleles (0.0035%); highest among the groups gnomAD compares: East Asian, 0.098%; no homozygotes.

Submissions (4):

St. Jude Molecular Pathology, St. Jude Children's Research Hospital
Classification: Uncertain significance for Polyps, multiple and recurrent inflammatory fibroid, gastrointestinal. Last evaluated: 2026-10-01. Review status: criteria provided, single submitter. Criteria: St. Jude Assertion Criteria 2020. Collection method: clinical testing. Allele origin: germline.
Comment: The PDGFRA c.2317A>G p.(Met773Val) missense change has a maximum sub population frequency of 0.003% in gnomAD v2.1.1. The in silico tool REVEL predicts a benign effect on protein function, but to our knowledge this prediction has not been confirmed by functional studies. To our knowled ge, this variant has not been reported in individuals with PDGFRA-related conditions. In summary, the evidence currently available is insufficient to determine the clinical significance of this variant. It has therefore been classified as of uncertain si gnificance.

PreventionGenetics, part of Exact Sciences
Classification: Uncertain significance for PDGFRA-related condition. Last evaluated: 2026-05-09. Review status: criteria provided, single submitter. Criteria: ACMG Guidelines, 2015. Collection method: clinical testing. Allele origin: germline.
Comment: The PDGFRA c.2317A>G variant is predicted to result in the amino acid substitution p.Met773Val. This variant has been reported in the literature in an individual who met criteria for hereditary breast and ovarian cancer testing (Chrysafi et al. 2023. PubMed ID: 38136308). This variant is reported in 0.0029% of alleles in individuals of Latino descent in gnomAD. This variant is interpreted as uncertain in ClinVar (Variation ID: 459050 ). At this time, the clinical significance of this variant is uncertain due to the absence of conclusive functional and genetic evidence.

Labcorp Genetics (formerly Invitae), Labcorp
Classification: Uncertain significance for Gastrointestinal stromal tumor. Last evaluated: 2025-12-12. Review status: criteria provided, single submitter. Criteria: Invitae Variant Classification Sherloc (09022015). Collection method: clinical testing. Allele origin: germline.
Comment: This sequence change replaces methionine, which is neutral and non-polar, with valine, which is neutral and non-polar, at codon 773 of the PDGFRA protein (p.Met773Val). This variant is present in population databases (rs191808397, gnomAD 0.003%). This variant has not been reported in the literature in individuals affected with PDGFRA-related conditions. ClinVar contains an entry for this variant (Variation ID: 459050). Invitae Evidence Modeling of protein sequence and biophysical properties (such as structural, functional, and spatial information, amino acid conservation, physicochemical variation, residue mobility, and thermodynamic stability) indicates that this missense variant is not expected to disrupt PDGFRA protein function with a negative predictive value of 80%. In summary, the available evidence is currently insufficient to determine the role of this variant in disease. Therefore, it has been classified as a Variant of Uncertain Significance.

Ambry Genetics
Classification: Uncertain significance for Hereditary cancer-predisposing syndrome. Last evaluated: 2025-09-22. Review status: criteria provided, single submitter. Criteria: Ambry Variant Classification Scheme 2023. Collection method: clinical testing. Allele origin: germline.